The following is an entry in ClinVar:

ClinVar aggregate classification (germline): Uncertain significance (1 of 4 stars; one submission).

Submission:

GeneDx
Classification: Uncertain significance. Last evaluated: 2026-06-04. Review status: criteria provided, single submitter. Criteria: GeneDx Variant Classification Process June 2021. Collection method: clinical testing. Allele origin: germline.
Comment: Not observed at significant frequency in large population cohorts (gnomAD); In-frame deletion of 1 amino acid(s) and insertion of 9 different amino acid(s) in a non-repeat region; In silico analysis suggests that this variant does not alter protein structure/function; Has not been previously published as pathogenic or benign to our knowledge

NM_018489.3(ASH1L):c.1207_1209delinsCAATGGGATTGGTTAATAAGCAATGGG (p.Asp403delinsGlnTrpAspTrpLeuIleSerAsnGly)

Gene: ASH1L (ASH1 like histone lysine methyltransferase; minus strand). Cytogenetic location: 1q22.
Variant type: Indel.
Coding change: c.1207_1209delinsCAATGGGATTGGTTAATAAGCAATGGG on transcript NM_018489.3 (MANE Select); coding-DNA positions 1207 to 1209, GAC replaced by CAATGGGATTGGTTAATAAGCAATGGG.
Protein change: p.Asp403delinsGlnTrpAspTrpLeuIleSerAsnGly.
Molecular consequence: inframe indel.
Genome position (GRCh38, 1-based): chr1:155,481,661-155,481,663, GTC replaced by CCCATTGCTTATTAACCAATCCCATTG on the plus strand (GAC replaced by CAATGGGATTGGTTAATAAGCAATGGG on the coding strand, the reverse complement: ASH1L is on the minus strand). VCF-style: chr1-155481661-GTC-CCCATTGCTTATTAACCAATCCCATTG. GRCh37 (hg19) VCF-style: chr1-155451452-GTC-CCCATTGCTTATTAACCAATCCCATTG.
Other names: c.1207_1209delinsCAATGGGATTGGTTAATAAGCAATGGG, p.Asp403delinsGlnTrpAspTrpLeuIleSerAsnGly (NM_001366177.2).
Identifiers: ClinVar variation 3343080 (VCV003343080.2).